The following is an entry in ClinVar:

ClinVar aggregate classification (germline): Pathogenic/Likely pathogenic. Review status: criteria provided, multiple submitters, no conflicts (2 of 4 stars). 3 submissions from 3 submitters: Pathogenic (2); Likely pathogenic (1). Last evaluated 2023-06-09.

Conditions:
Irido-corneo-trabecular dysgenesis (ASGD5). Also called: ANTERIOR SEGMENT DYSGENESIS 5. Identifiers: Orphanet 708, MedGen C0344559, MONDO:0011414, OMIM 604229, HP:0000659.
Aniridia 1 (AN1). Identifiers: Orphanet 250923, MedGen C0344542, MONDO:0024507, OMIM 106210.

Submissions (3):

Labcorp Genetics (formerly Invitae), Labcorp
Classification: Pathogenic for Aniridia 1; Irido-corneo-trabecular dysgenesis. Last evaluated: 2023-06-09. Review status: criteria provided, single submitter. Criteria: Invitae Variant Classification Sherloc (09022015). Collection method: clinical testing. Allele origin: germline.
Comment: For these reasons, this variant has been classified as Pathogenic. This premature translational stop signal has been observed in individual(s) with PAX6-related conditions (PMID: 29145603, 32360764). ClinVar contains an entry for this variant (Variation ID: 546663). This variant is not present in population databases (gnomAD no frequency). This sequence change creates a premature translational stop signal (p.Ser363*) in the PAX6 gene. It is expected to result in an absent or disrupted protein product. Loss-of-function variants in PAX6 are known to be pathogenic (PMID: 12634864).

Wessex Regional Genetics Laboratory, Salisbury District Hospital
Classification: Pathogenic for Aniridia 1. Last evaluated: 2019-08-15. Review status: criteria provided, single submitter. Criteria: ACMG Guidelines, 2015. Collection method: clinical testing. Allele origin: de novo, inherited. Inheritance: Autosomal dominant inheritance. Affected: yes. Observed: 2 variant alleles.

CeGaT Center for Human Genetics Tuebingen
Classification: Likely pathogenic. Last evaluated: 2018-03-01. Review status: criteria provided, single submitter. Criteria: CeGaT Center For Human Genetics Tuebingen Variant Classification Criteria Version 2. Collection method: clinical testing. Allele origin: germline. Affected: yes. Observed: 1 variant allele.

Literature cited by the submitters: PubMed 29145603 (cited by Labcorp Genetics (formerly Invitae), Labcorp); PubMed 32360764 (cited by Labcorp Genetics (formerly Invitae), Labcorp); PubMed 12634864 (cited by Labcorp Genetics (formerly Invitae), Labcorp).

NM_001368894.2(PAX6):c.1130C>A (p.Ser377Ter)

Gene: PAX6 (paired box 6; minus strand). Cytogenetic location: 11p13.
Variant type: single nucleotide variant.
Coding change: c.1130C>A on transcript NM_001368894.2 (MANE Select); coding-DNA position 1130, C replaced by A.
Protein change: p.Ser377Ter; replaces serine 377 with a stop codon.
Molecular consequence: nonsense. On other transcripts: non-coding transcript variant (1), intron variant (9).
Genome position (GRCh38, 1-based): chr11:31,790,805, G>T on the plus strand (C>A on the coding strand, the complement: PAX6 is on the minus strand). VCF-style: chr11-31790805-G-T. GRCh37 (hg19) VCF-style: chr11-31812353-G-T.
Other names: c.1088C>A, p.Ser363Ter (NM_000280.6, NM_001127612.3, NM_001258464.2 and 6 more transcripts); c.1130C>A, p.Ser377Ter (NM_001258462.3, NM_001258463.2, NM_001310158.2 and 3 more transcripts); c.680C>A, p.Ser227Ter (NM_001310160.2, NM_001310161.3, NM_001368899.2 and 10 more transcripts); c.1205C>A, p.Ser402Ter (NM_001368918.2, NM_001368919.2); c.1163C>A, p.Ser388Ter (NM_001368920.2); c.929C>A, p.Ser310Ter (NM_001368922.2, NM_001368923.2, NM_001368924.2 and 3 more transcripts); c.887C>A, p.Ser296Ter (NM_001368928.2); c.485C>A, p.Ser162Ter (NM_001368930.2); and 6 more; short protein forms S363*, S162*, S296*, S377*, S402*, S227*, S310*, S444*.
Identifiers: ClinVar variation 546663 (VCV000546663.47), dbSNP rs1411880763, ClinGen allele CA379967371.